The following is an entry in ClinVar:

ClinVar aggregate classification (germline): Uncertain significance (1 of 4 stars; one submission).

Submission:

Labcorp Genetics (formerly Invitae), Labcorp
Classification: Uncertain significance. Last evaluated: 2022-06-20. Review status: criteria provided, single submitter. Criteria: Invitae Variant Classification Sherloc (09022015). Collection method: clinical testing. Allele origin: germline.
Comment: This variant has not been reported in the literature in individuals affected with TPP1-related conditions. This sequence change replaces histidine, which is basic and polar, with tyrosine, which is neutral and polar, at codon 319 of the TPP1 protein (p.His319Tyr). This variant is not present in population databases (gnomAD no frequency). Advanced modeling of protein sequence and biophysical properties (such as structural, functional, and spatial information, amino acid conservation, physicochemical variation, residue mobility, and thermodynamic stability) performed at Invitae indicates that this missense variant is not expected to disrupt TPP1 protein function. In summary, the available evidence is currently insufficient to determine the role of this variant in disease. Therefore, it has been classified as a Variant of Uncertain Significance.

NM_000391.4(TPP1):c.955C>T (p.His319Tyr)

Gene: TPP1 (tripeptidyl peptidase 1; minus strand). Cytogenetic location: 11p15.4.
Variant type: single nucleotide variant.
Coding change: c.955C>T on transcript NM_000391.4 (MANE Select); coding-DNA position 955, C replaced by T.
Protein change: p.His319Tyr; replaces histidine 319 with tyrosine.
Molecular consequence: missense variant.
Genome position (GRCh38, 1-based): chr11:6,616,435, G>A on the plus strand (C>T on the coding strand, the complement: TPP1 is on the minus strand). VCF-style: chr11-6616435-G-A. GRCh37 (hg19) VCF-style: chr11-6637666-G-A.
Other names: short protein forms H319Y.
Identifiers: ClinVar variation 1516452 (VCV001516452.6), dbSNP rs2134593776, ClinGen allele CA379474411.